The following is an entry in ClinVar:

NM_000069.3(CACNA1S):c.1366C>T (p.Gln456Ter)

Gene: CACNA1S (calcium voltage-gated channel subunit alpha1 S; minus strand). Cytogenetic location: 1q32.1.
Variant type: single nucleotide variant.
Coding change: c.1366C>T on transcript NM_000069.3 (MANE Select); coding-DNA position 1366, C replaced by T.
Protein change: p.Gln456Ter; replaces glutamine 456 with a stop codon.
Molecular consequence: nonsense.
Genome position (GRCh38, 1-based): chr1:201,083,189, G>A on the plus strand (C>T on the coding strand, the complement: CACNA1S is on the minus strand). VCF-style: chr1-201083189-G-A. GRCh37 (hg19) VCF-style: chr1-201052317-G-A.
Other names: short protein forms Q456*.
Identifiers: ClinVar variation 1922123 (VCV001922123.5), dbSNP rs1440652791, ClinGen allele CA344125214.

ClinVar aggregate classification (germline): Pathogenic (1 of 4 stars; one submission).

Conditions:
Hypokalemic periodic paralysis, type 1. Also called: Hypokalemic Periodic Paralysis Type 1 (AD); HypoPP. Identifiers: Orphanet 681, MedGen C3714580, MONDO:0042979, OMIM 170400.
Malignant hyperthermia, susceptibility to, 5 (MHS5). Also called: CACNA1S-Related Malignant Hyperthermia Susceptibility. Identifiers: Orphanet 423, MedGen C1866077, MONDO:0011163, OMIM 601887.

gnomAD v4.1: 5 of 1,614,220 alleles (0.00031%); highest among the groups gnomAD compares: Non-Finnish European, 0.00042%; no homozygotes.

Submission:

Labcorp Genetics (formerly Invitae), Labcorp
Classification: Pathogenic for Hypokalemic periodic paralysis, type 1; Malignant hyperthermia, susceptibility to, 5. Last evaluated: 2023-10-18. Review status: criteria provided, single submitter. Criteria: Invitae Variant Classification Sherloc (09022015). Collection method: clinical testing. Allele origin: germline.
Comment: This sequence change creates a premature translational stop signal (p.Gln456*) in the CACNA1S gene. It is expected to result in an absent or disrupted protein product. Loss-of-function variants in CACNA1S are known to be pathogenic (PMID: 26247046, 28012042). This variant is not present in population databases (gnomAD no frequency). This variant has not been reported in the literature in individuals affected with CACNA1S-related conditions. ClinVar contains an entry for this variant (Variation ID: 1922123). For these reasons, this variant has been classified as Pathogenic.

Literature cited by the submitters: PubMed 26247046; PubMed 28012042.